The following is an entry in ClinVar:

ClinVar aggregate classification (germline): Uncertain significance. Review status: criteria provided, multiple submitters, no conflicts (2 of 4 stars). 2 submissions from 2 submitters: Uncertain significance (2). Last evaluated 2025-04-07.

Conditions:
Inborn genetic diseases. Identifiers: MedGen C0950123, MeSH D030342.
Autoimmune lymphoproliferative syndrome, type III caused by mutation in PRKCD. Identifiers: Orphanet 3261, Orphanet 664711, MedGen C3809928, MONDO:8000024, OMIM 615559.

Allele frequency attached by ClinVar (database versions not stated): TOPMed below 0.00001; gnomAD exomes 0.00001; gnomAD 0.00001.

Submissions (2):

Ambry Genetics
Classification: Uncertain significance for Inborn genetic diseases. Last evaluated: 2025-04-07. Review status: criteria provided, single submitter. Criteria: Ambry Variant Classification Scheme 2023. Collection method: clinical testing. Allele origin: germline.

Labcorp Genetics (formerly Invitae), Labcorp
Classification: Uncertain significance for Autoimmune lymphoproliferative syndrome, type III caused by mutation in PRKCD. Last evaluated: 2017-09-09. Review status: criteria provided, single submitter. Criteria: Invitae Variant Classification Sherloc (09022015). Collection method: clinical testing. Allele origin: germline.
Comment: In summary, the available evidence is currently insufficient to determine the role of this variant in disease. Therefore, it has been classified as a Variant of Uncertain Significance. Algorithms developed to predict the effect of missense changes on protein structure and function (SIFT, PolyPhen-2, Align-GVGD) all suggest that this variant is likely to be disruptive, but these predictions have not been confirmed by published functional studies and their clinical significance is uncertain. This variant has not been reported in the literature in individuals with PRKCD-related disease. This variant is not present in population databases (ExAC no frequency). This sequence change replaces alanine with valine at codon 195 of the PRKCD protein (p.Ala195Val). The alanine residue is highly conserved and there is a small physicochemical difference between alanine and valine.

NM_006254.4(PRKCD):c.584C>T (p.Ala195Val)

Gene: PRKCD (protein kinase C delta; plus strand). Cytogenetic location: 3p21.1.
Variant type: single nucleotide variant.
Coding change: c.584C>T on transcript NM_006254.4 (MANE Select); coding-DNA position 584, C replaced by T.
Protein change: p.Ala195Val; replaces alanine 195 with valine.
Molecular consequence: missense variant.
Genome position (GRCh38, 1-based): chr3:53,183,133, C>T. VCF-style: chr3-53183133-C-T. GRCh37 (hg19) VCF-style: chr3-53217149-C-T.
Other names: c.584C>T, p.Ala195Val (NM_001316327.2, LRG_1327t1, NM_001354679.2 and 2 more transcripts); c.641C>T, p.Ala214Val (NM_001354676.2); c.632C>T, p.Ala211Val (NM_001354678.2); short protein forms A195V, A214V, A211V.
Identifiers: ClinVar variation 541621 (VCV000541621.6), dbSNP rs977894332, ClinGen allele CA74812220.